The following is an entry in ClinVar:

ClinVar aggregate classification (germline): Likely benign. Review status: criteria provided, single submitter (1 of 4 stars). 2 submissions from 2 submitters: Likely benign (1). 1 of the submissions does not count toward it. Last evaluated 2023-11-01.

Conditions:
TSHZ3-related disorder. Also called: TSHZ3-related condition.

Allele frequency attached by ClinVar (database versions not stated): ExAC 0.00055; gnomAD exomes 0.00056; TOPMed 0.00059; gnomAD 0.00060; ESP Exome Variant Server 0.00085.
gnomAD v4.1: 857 of 1,521,798 alleles (0.056%); highest among the groups gnomAD compares: Middle Eastern, 0.14%; 2 homozygotes.

Submissions (2):

CeGaT Center for Human Genetics Tuebingen
Classification: Likely benign. Last evaluated: 2023-11-01. Review status: criteria provided, single submitter. Criteria: CeGaT Center For Human Genetics Tuebingen Variant Classification Criteria Version 2. Collection method: clinical testing. Allele origin: germline. Affected: yes. Observed: 1 variant allele.
Comment: TSHZ3: BP4, BP7

PreventionGenetics, part of Exact Sciences
Classification: Likely benign for TSHZ3-related condition. Last evaluated: 2024-02-20. Review status: no assertion criteria provided. Collection method: clinical testing. Allele origin: germline. Not counted in ClinVar's aggregate classification.
Comment: This variant is classified as likely benign based on ACMG/AMP sequence variant interpretation guidelines (Richards et al. 2015 PMID: 25741868, with internal and published modifications).

NM_020856.4(TSHZ3):c.2067G>A (p.Glu689=)

Gene: TSHZ3 (teashirt zinc finger homeobox 3; minus strand). Cytogenetic location: 19q12.
Variant type: single nucleotide variant.
Coding change: c.2067G>A on transcript NM_020856.4 (MANE Select); coding-DNA position 2067, G replaced by A.
Protein change: p.Glu689=; no amino-acid change (glutamic acid 689 retained).
Molecular consequence: synonymous variant.
Genome position (GRCh38, 1-based): chr19:31,277,726, C>T on the plus strand (G>A on the coding strand, the complement: TSHZ3 is on the minus strand). VCF-style: chr19-31277726-C-T. GRCh37 (hg19) VCF-style: chr19-31768632-C-T.
Other names: c.2067G>A (NM_020856.3).
Identifiers: ClinVar variation 2672752 (VCV002672752.24), dbSNP rs146715477, ClinGen allele CA9354131.